The following is an entry in ClinVar:

NM_025243.4(SLC19A3):c.265A>C (p.Ser89Arg)

Gene: SLC19A3 (solute carrier family 19 member 3; minus strand). Cytogenetic location: 2q36.3.
Variant type: single nucleotide variant.
Coding change: c.265A>C on transcript NM_025243.4 (MANE Select); coding-DNA position 265, A replaced by C.
Protein change: p.Ser89Arg; replaces serine 89 with arginine.
Molecular consequence: missense variant.
Genome position (GRCh38, 1-based): chr2:227,699,450, T>G on the plus strand (A>C on the coding strand, the complement: SLC19A3 is on the minus strand). VCF-style: chr2-227699450-T-G. GRCh37 (hg19) VCF-style: chr2-228564166-T-G.
Other names: short protein forms S89R.
Identifiers: ClinVar variation 438726 (VCV000438726.3), dbSNP rs759807393, ClinGen allele CA2149341.

ClinVar aggregate classification (germline): Conflicting classifications of pathogenicity. Review status: criteria provided, conflicting classifications (1 of 4 stars). 3 submissions from 3 submitters: Likely pathogenic (1); Uncertain significance (1). 1 of the submissions does not count toward it. Last evaluated 2024-09-09.

Conditions:
Biotin-responsive basal ganglia disease (BTBGD). Also called: Thiamine metabolism dysfunction syndrome type 2; THIAMINE METABOLISM DYSFUNCTION SYNDROME 2 (BIOTIN- AND THIAMINE-RESPONSIVE TYPE); Thiamine metabolism dysfunction syndrome 2 (biotin- or thiamine-responsive encephalopathy type 2); thiamine-responsive encephalopathy; Thiamine Transporter-2 Deficiency. Identifiers: Orphanet 199348, Orphanet 65284, MedGen C1843807, MONDO:0011841, OMIM 607483.

Allele frequency attached by ClinVar (database versions not stated): ExAC 0.00001.

Submissions (3):

Women's Health and Genetics/Laboratory Corporation of America, LabCorp
Classification: Uncertain significance. Last evaluated: 2024-09-09. Review status: criteria provided, single submitter. Criteria: LabCorp Variant Classification Summary - May 2015. Collection method: clinical testing. Allele origin: germline.
Comment: Variant summary: SLC19A3 c.265A>C (p.Ser89Arg) results in a non-conservative amino acid change in the encoded protein sequence. Four of five in-silico tools predict a damaging effect of the variant on protein function. The variant allele was found at a frequency of 8e-06 in 251488 control chromosomes. c.265A>C has been reported in the literature in compound heterozygous individuals affected with Basal ganglia disease, biotin-thiamine-responsive (Ogawa_2017, Lee_2020, Li_2020, Stenton_2022, Ko_2023, Kim_2023, Kobayashi_2022). These data indicate that the variant may be associated with disease. To our knowledge, no experimental evidence demonstrating an impact on protein function has been reported. The following publications have been ascertained in the context of this evaluation (PMID: 36544340, 37645600, 36175418, 32020600, 32679198, 31967322). ClinVar contains an entry for this variant (Variation ID: 438726). Based on the evidence outlined above, the variant was classified as VUS-possibly pathogenic.

Fulgent Genetics
Classification: Likely pathogenic for Biotin-responsive basal ganglia disease. Last evaluated: 2024-01-29. Review status: criteria provided, single submitter. Criteria: ACMG Guidelines, 2015. Collection method: clinical testing. Allele origin: germline.

Laboratory of Metabolic Disorders, Peking University First Hospital
Classification: Pathogenic for Biotin-responsive basal ganglia disease. Last evaluated: 2017-09-14. Review status: no assertion criteria provided. Collection method: research. Allele origin: inherited. Affected: yes. Not counted in ClinVar's aggregate classification.

Literature cited by the submitters: PubMed 31967322 (cited by Women's Health and Genetics/Laboratory Corporation of America, LabCorp); PubMed 35094435 (cited by Women's Health and Genetics/Laboratory Corporation of America, LabCorp); PubMed 32020600 (cited by Women's Health and Genetics/Laboratory Corporation of America, LabCorp); PubMed 36544340 (cited by Women's Health and Genetics/Laboratory Corporation of America, LabCorp); PubMed 32679198 (cited by Women's Health and Genetics/Laboratory Corporation of America, LabCorp); PubMed 37645600 (cited by Women's Health and Genetics/Laboratory Corporation of America, LabCorp); PubMed 36175418 (cited by Women's Health and Genetics/Laboratory Corporation of America, LabCorp).